The following is an entry in ClinVar:

NM_001903.5(CTNNA1):c.479G>A (p.Gly160Asp)

Gene: CTNNA1 (catenin alpha 1; plus strand). Cytogenetic location: 5q31.2.
Variant type: single nucleotide variant.
Coding change: c.479G>A on transcript NM_001903.5 (MANE Select); coding-DNA position 479, G replaced by A.
Protein change: p.Gly160Asp; replaces glycine 160 with aspartic acid.
Molecular consequence: missense variant.
Genome position (GRCh38, 1-based): chr5:138,812,193, G>A. VCF-style: chr5-138812193-G-A. GRCh37 (hg19) VCF-style: chr5-138147882-G-A.
Other names: c.479G>A (NM_001903.2, NM_001903.4); c.479G>A, p.Gly160Asp (NM_001290307.3, NM_001323982.2, NM_001323983.1 and 3 more transcripts); c.170G>A, p.Gly57Asp (NM_001290309.3); c.110G>A, p.Gly37Asp (NM_001290310.3); short protein forms G37D, G160D, G57D.
Identifiers: ClinVar variation 644657 (VCV000644657.13), dbSNP rs1415757253, ClinGen allele CA361124899.
Genomic context (GRCh38, chr5:138,812,193, plus strand): 5'-CAGACCTACATTCAGAATTTTTGGGTTTTGGGGTCTTTCTTATTTTATAGGTGGAAGATG[G>A]TATCTTGAAGTTGAGGAATGCTGGCAATGAACAAGACTTAGGAATCCAGTATAAAGCCCT-3'
Protein context (NP_001894.2, residues 150-170): LLVQLKVVED[Gly160Asp]ILKLRNAGNE

ClinVar aggregate classification (germline): Conflicting classifications of pathogenicity. Review status: criteria provided, conflicting classifications (1 of 4 stars). 5 submissions from 5 submitters: Uncertain significance (4); Likely benign (1). Last evaluated 2026-02-23.

Conditions:
Patterned macular dystrophy 2. Identifiers: Orphanet 99001, MedGen C1837029, MONDO:0012162, OMIM 608970.
Hereditary cancer-predisposing syndrome. Also called: Neoplastic Syndromes, Hereditary; Tumor predisposition; Hereditary neoplastic syndrome; Hereditary Cancer Syndrome. Identifiers: Orphanet 140162, MedGen C0027672, MeSH D009386, MONDO:0015356.
CTNNA1-related disorder. Also called: CTNNA1-related condition.

Allele frequency attached by ClinVar (database versions not stated): gnomAD exomes 0.00001.
gnomAD v4.1: 13 of 1,613,166 alleles (0.00081%); highest among the groups gnomAD compares: Admixed American, 0.0017%; no homozygotes.

Submissions (5):

PreventionGenetics, part of Exact Sciences
Classification: Uncertain significance for CTNNA1-related condition. Last evaluated: 2026-02-23. Review status: criteria provided, single submitter. Criteria: ACMG Guidelines, 2015. Collection method: clinical testing. Allele origin: germline.
Comment: The CTNNA1 c.479G>A variant is predicted to result in the amino acid substitution p.Gly160Asp. This variant was reported in multiple individuals with gastric or breast cancer (Supp. Table 1, Clark et al. 2020. PubMed ID: 32051609). This variant is reported in 0.0029% of alleles in individuals of Latino descent in gnomAD. This variant has conflicting interpretations in ClinVar ranging from uncertain to likely benign (Variation ID: 644657). At this time, the clinical significance of this variant is uncertain due to the absence of conclusive functional and genetic evidence.

Labcorp Genetics (formerly Invitae), Labcorp
Classification: Uncertain significance. Last evaluated: 2025-01-06. Review status: criteria provided, single submitter. Criteria: Invitae Variant Classification Sherloc (09022015). Collection method: clinical testing. Allele origin: germline.
Comment: This sequence change replaces glycine, which is neutral and non-polar, with aspartic acid, which is acidic and polar, at codon 160 of the CTNNA1 protein (p.Gly160Asp). This variant is present in population databases (no rsID available, gnomAD 0.003%). This variant has not been reported in the literature in individuals affected with CTNNA1-related conditions. ClinVar contains an entry for this variant (Variation ID: 644657). Invitae Evidence Modeling of protein sequence and biophysical properties (such as structural, functional, and spatial information, amino acid conservation, physicochemical variation, residue mobility, and thermodynamic stability) indicates that this missense variant is not expected to disrupt CTNNA1 protein function with a negative predictive value of 80%. In summary, the available evidence is currently insufficient to determine the role of this variant in disease. Therefore, it has been classified as a Variant of Uncertain Significance.

Baylor Genetics
Classification: Uncertain significance for Patterned macular dystrophy 2. Last evaluated: 2023-10-10. Review status: criteria provided, single submitter. Criteria: ACMG Guidelines, 2015. Collection method: clinical testing. Allele origin: unknown.

GeneDx
Classification: Uncertain significance. Last evaluated: 2022-11-25. Review status: criteria provided, single submitter. Criteria: GeneDx Variant Classification Process June 2021. Collection method: clinical testing. Allele origin: germline. Affected: yes.
Comment: In silico analysis supports that this missense variant does not alter protein structure/function; Observed in individuals referred for hereditary cancer multi-gene panel testing (Clark et al., 2020); This variant is associated with the following publications: (PMID: 32051609)

Ambry Genetics
Classification: Likely benign for Hereditary cancer-predisposing syndrome. Last evaluated: 2022-11-18. Review status: criteria provided, single submitter. Criteria: Ambry Variant Classification Scheme 2023. Collection method: clinical testing. Allele origin: germline.